The following is an entry in ClinVar:

NM_004168.4(SDHA):c.865G>A (p.Asp289Asn)

Gene: SDHA (succinate dehydrogenase complex flavoprotein subunit A; plus strand). Cytogenetic location: 5p15.33.
Variant type: single nucleotide variant.
Coding change: c.865G>A on transcript NM_004168.4 (MANE Select); coding-DNA position 865, G replaced by A.
Protein change: p.Asp289Asn; replaces aspartic acid 289 with asparagine.
Molecular consequence: missense variant.
Genome position (GRCh38, 1-based): chr5:230,970, G>A. VCF-style: chr5-230970-G-A. GRCh37 (hg19) VCF-style: chr5-231085-G-A.
Other names: c.721G>A, p.Asp241Asn (NM_001294332.2); c.865G>A, p.Asp289Asn (NM_001330758.2); short protein forms D241N, D289N.
Identifiers: ClinVar variation 1947747 (VCV001947747.5), dbSNP rs2126568625, ClinGen allele CA359011946.

ClinVar aggregate classification (germline): Uncertain significance (1 of 4 stars; one submission).

Conditions:
Mitochondrial complex II deficiency, nuclear type 1. Also called: SUCCINATE CoQ REDUCTASE DEFICIENCY. Identifiers: Orphanet 3208, MedGen C5700310, MONDO:0100294, OMIM 252011.
Pheochromocytoma/paraganglioma syndrome 5. Also called: Paragangliomas 5; SDHA-Related Hereditary Paraganglioma-Pheochromocytoma Syndrome. Identifiers: Orphanet 29072, MedGen C3279992, MONDO:0013602, OMIM 614165.

Submission:

Labcorp Genetics (formerly Invitae), Labcorp
Classification: Uncertain significance for Pheochromocytoma/paraganglioma syndrome 5; Mitochondrial complex II deficiency, nuclear type 1. Last evaluated: 2025-11-11. Review status: criteria provided, single submitter. Criteria: Invitae Variant Classification Sherloc (09022015). Collection method: clinical testing. Allele origin: germline.
Comment: This sequence change replaces aspartic acid, which is acidic and polar, with asparagine, which is neutral and polar, at codon 289 of the SDHA protein (p.Asp289Asn). This variant is not present in population databases (gnomAD no frequency). This variant has not been reported in the literature in individuals affected with SDHA-related conditions. ClinVar contains an entry for this variant (Variation ID: 1947747). Invitae Evidence Modeling of protein sequence and biophysical properties (such as structural, functional, and spatial information, amino acid conservation, physicochemical variation, residue mobility, and thermodynamic stability) has been performed for this missense variant. However, the output from this modeling did not meet the statistical confidence thresholds required to predict the impact of this variant on SDHA protein function. In summary, the available evidence is currently insufficient to determine the role of this variant in disease. Therefore, it has been classified as a Variant of Uncertain Significance.